The following is an entry in ClinVar:

ClinVar aggregate classification (germline): Uncertain significance (1 of 4 stars; one submission).

Allele frequency attached by ClinVar (database versions not stated): gnomAD exomes below 0.00001; TOPMed below 0.00001; gnomAD 0.00001.
gnomAD v4.1: 3 of 1,613,560 alleles (0.00019%); highest among the groups gnomAD compares: Non-Finnish European, 0.00025%; no homozygotes.

Submission:

GeneDx
Classification: Uncertain significance. Last evaluated: 2017-06-05. Review status: criteria provided, single submitter. Criteria: GeneDx Variant Classification (06012015). Collection method: clinical testing. Allele origin: germline. Affected: yes.
Comment: A variant of uncertain significance has been identified in the GAN gene. The c.972 A>T variant has not been published as a pathogenic variant, nor has it been reported as a benign variant to our knowledge. The c.972 A>T variant is not observed in large population cohorts (Lek et al., 2016; 1000 Genomes Consortium et al., 2015; Exome Variant Server). Several in-silico splice prediction models predict that c.972 A>T may destroy the natural donor site and lead to abnormal gene splicing. However, in the absence of RNA/functional studies, the actual effect of this sequence change in this individual is unknown. Therefore, based on the currently available information, it is unclear whether this variant is a pathogenic variant or a rare benign variant.

NM_022041.4(GAN):c.972A>T (p.Ala324=)

Gene: GAN (gigaxonin; plus strand). Cytogenetic location: 16q23.2.
Variant type: single nucleotide variant.
Coding change: c.972A>T on transcript NM_022041.4 (MANE Select); coding-DNA position 972, A replaced by T.
Protein change: p.Ala324=; no amino-acid change (alanine 324 retained).
Molecular consequence: synonymous variant.
Genome position (GRCh38, 1-based): chr16:81,357,930, A>T. VCF-style: chr16-81357930-A-T. GRCh37 (hg19) VCF-style: chr16-81391535-A-T.
Other names: c.333A>T, p.Ala111= (NM_001377486.1).
Identifiers: ClinVar variation 432299 (VCV000432299.2), dbSNP rs1430569033, ClinGen allele CA496698974.